The following is an entry in ClinVar:

ClinVar aggregate classification (germline): Uncertain significance. Review status: criteria provided, multiple submitters, no conflicts (2 of 4 stars). 4 submissions from 4 submitters: Uncertain significance (4). Last evaluated 2026-01-14.

Conditions:
Dilated cardiomyopathy 1JJ (CMD1JJ). Identifiers: Orphanet 154, MedGen C3808935, MONDO:0014095, OMIM 615235.
Cardiovascular phenotype. Identifiers: MedGen CN230736.

Allele frequency attached by ClinVar (database versions not stated): ExAC 0.00003; gnomAD 0.00004 and 0.00005; gnomAD exomes 0.00004; TOPMed 0.00006; ESP Exome Variant Server 0.00015.
gnomAD v4.1: 70 of 1,613,956 alleles (0.0043%); highest among the groups gnomAD compares: Middle Eastern, 0.033%; no homozygotes.

Submissions (4):

Labcorp Genetics (formerly Invitae), Labcorp
Classification: Uncertain significance for Dilated cardiomyopathy 1JJ. Last evaluated: 2026-01-14. Review status: criteria provided, single submitter. Criteria: Invitae Variant Classification Sherloc (09022015). Collection method: clinical testing. Allele origin: germline.
Comment: This sequence change replaces glutamic acid, which is acidic and polar, with lysine, which is basic and polar, at codon 869 of the LAMA4 protein (p.Glu869Lys). This variant is present in population databases (rs147206383, gnomAD 0.02%). This variant has not been reported in the literature in individuals affected with LAMA4-related conditions. ClinVar contains an entry for this variant (Variation ID: 1006062). An algorithm developed to predict the effect of missense changes on protein structure and function (PolyPhen-2) suggests that this variant is likely to be tolerated. In summary, the available evidence is currently insufficient to determine the role of this variant in disease. Therefore, it has been classified as a Variant of Uncertain Significance.

GeneDx
Classification: Uncertain significance. Last evaluated: 2023-10-09. Review status: criteria provided, single submitter. Criteria: GeneDx Variant Classification Process June 2021. Collection method: clinical testing. Allele origin: germline. Affected: yes.
Comment: Has not been previously published as pathogenic or benign to our knowledge; In silico analysis supports that this missense variant does not alter protein structure/function

Ambry Genetics
Classification: Uncertain significance for Cardiovascular phenotype. Last evaluated: 2023-10-05. Review status: criteria provided, single submitter. Criteria: Ambry Variant Classification Scheme 2023. Collection method: clinical testing. Allele origin: germline.
Comment: The p.E869K variant (also known as c.2605G>A), located in coding exon 19 of the LAMA4 gene, results from a G to A substitution at nucleotide position 2605. The glutamic acid at codon 869 is replaced by lysine, an amino acid with similar properties. This amino acid position is poorly conserved in available vertebrate species. In addition, this alteration is predicted to be tolerated by in silico analysis. Since supporting evidence is limited at this time, the clinical significance of this alteration remains unclear.

Fulgent Genetics
Classification: Uncertain significance for Dilated cardiomyopathy 1JJ. Last evaluated: 2021-10-28. Review status: criteria provided, single submitter. Criteria: ACMG Guidelines, 2015. Collection method: clinical testing. Allele origin: unknown.

NM_001105206.3(LAMA4):c.2626G>A (p.Glu876Lys)

Gene: LAMA4 (laminin subunit alpha 4; minus strand). Cytogenetic location: 6q21.
Variant type: single nucleotide variant.
Coding change: c.2626G>A on transcript NM_001105206.3 (MANE Select); coding-DNA position 2626, G replaced by A.
Protein change: p.Glu876Lys; replaces glutamic acid 876 with lysine.
Molecular consequence: missense variant.
Genome position (GRCh38, 1-based): chr6:112,142,160, C>T on the plus strand (G>A on the coding strand, the complement: LAMA4 is on the minus strand). VCF-style: chr6-112142160-C-T. GRCh37 (hg19) VCF-style: chr6-112463362-C-T.
Other names: c.2605G>A, p.Glu869Lys (NM_001105207.3, NM_002290.5); short protein forms E869K, E876K.
Identifiers: ClinVar variation 1006062 (VCV001006062.12), dbSNP rs147206383, ClinGen allele CA3965426.